The following is an entry in ClinVar:

ClinVar aggregate classification (germline): Uncertain significance (1 of 4 stars; one submission).

gnomAD v4.1: 1 of 1,614,040 alleles (0.000062%); highest among the groups gnomAD compares: Non-Finnish European, 0.000085%; no homozygotes.

Submission:

Labcorp Genetics (formerly Invitae), Labcorp
Classification: Uncertain significance. Last evaluated: 2025-05-02. Review status: criteria provided, single submitter. Criteria: Invitae Variant Classification Sherloc (09022015). Collection method: clinical testing. Allele origin: germline.
Comment: This sequence change replaces lysine, which is basic and polar, with glutamic acid, which is acidic and polar, at codon 32 of the PPP3CA protein (p.Lys32Glu). This variant is not present in population databases (gnomAD no frequency). This variant has not been reported in the literature in individuals affected with PPP3CA-related conditions. Invitae Evidence Modeling of protein sequence and biophysical properties (such as structural, functional, and spatial information, amino acid conservation, physicochemical variation, residue mobility, and thermodynamic stability) indicates that this missense variant is not expected to disrupt PPP3CA protein function with a negative predictive value of 80%. In summary, the available evidence is currently insufficient to determine the role of this variant in disease. Therefore, it has been classified as a Variant of Uncertain Significance.

NM_000944.5(PPP3CA):c.94A>G (p.Lys32Glu)

Gene: PPP3CA (protein phosphatase 3 catalytic subunit alpha; minus strand). Cytogenetic location: 4q24.
Variant type: single nucleotide variant.
Coding change: c.94A>G on transcript NM_000944.5 (MANE Select); coding-DNA position 94, A replaced by G.
Protein change: p.Lys32Glu; replaces lysine 32 with glutamic acid.
Molecular consequence: missense variant.
Genome position (GRCh38, 1-based): chr4:101,196,081, T>C on the plus strand (A>G on the coding strand, the complement: PPP3CA is on the minus strand). VCF-style: chr4-101196081-T-C. GRCh37 (hg19) VCF-style: chr4-102117238-T-C.
Other names: c.94A>G, p.Lys32Glu (NM_001130691.2, NM_001130692.2); short protein forms K32E.
Identifiers: ClinVar variation 4740371 (VCV004740371.1).